The following continues an entry in ClinVar:

NM_002878.4(RAD51D):c.629C>T (p.Ala210Val)

ClinVar aggregate classification (germline): Conflicting classifications of pathogenicity. Uncertain significance (16); Likely benign (1).

Submissions 12 to 19 of 19:

Color Diagnostics, LLC DBA Color Health
Classification: Uncertain significance for Hereditary cancer-predisposing syndrome. Last evaluated: 2024-01-22. Review status: criteria provided, single submitter. Criteria: ACMG Guidelines, 2015. Collection method: clinical testing. Allele origin: germline.
Comment: This missense variant replaces alanine with valine at codon 210 of the RAD51D protein. Computational prediction suggests that this variant may not impact protein structure and function. To our knowledge, functional studies have not been reported for this variant. This variant has been reported in multiple individuals affected with ovarian cancer (PMID: 24130102, 26057125, 26261251), breast cancer (PMID: 25452441), Lynch syndrome associated cancers and/or polyps (PMID: 25980754, 27978560), and pancreatic cancer (PMID: 28726808). It has also been observed in unaffected individuals (PMID: 33471991; Color internal data). This variant has been identified in 8/282794 chromosomes in the general population by the Genome Aggregation Database (gnomAD). The available evidence is insufficient to determine the role of this variant in disease conclusively. Therefore, this variant is classified as a Variant of Uncertain Significance.

St. Jude Molecular Pathology, St. Jude Children's Research Hospital
Classification: Uncertain significance for Breast-ovarian cancer, familial, susceptibility to, 4. Last evaluated: 2023-12-14. Review status: criteria provided, single submitter. Criteria: St. Jude Assertion Criteria 2020. Collection method: clinical testing. Allele origin: germline.
Comment: The RAD51D c.629C>T (p.Ala210Val) missense change has a maximum subpopulation frequency of 0.005% in gnomAD v2.1.1. The in silico tool REVEL is inconclusive about a pathogenic or benign effect of this variant on protein function, and to our knowledge functional studies have not been performed. This variant has been reported in individuals with ovarian cancer (PMID: 24130102, 26057125, 26261251). In summary, the evidence currently available is insufficient to determine the clinical significance of this variant. It has therefore been classified as of uncertain significance.

Mayo Clinic Laboratories, Mayo Clinic
Classification: Uncertain significance. Last evaluated: 2022-08-31. Review status: criteria provided, single submitter. Criteria: ACMG Guidelines, 2015. Collection method: clinical testing. Allele origin: germline. Observed: 1 variant allele.

Institute for Biomarker Research, Medical Diagnostic Laboratories, L.L.C.
Classification: Uncertain significance for Hereditary breast ovarian cancer syndrome. Last evaluated: 2022-08-18. Review status: criteria provided, single submitter. Criteria: ACMG Guidelines, 2015. Collection method: clinical testing. Allele origin: germline.

Sema4
Classification: Uncertain significance for Hereditary cancer-predisposing syndrome. Last evaluated: 2022-02-17. Review status: criteria provided, single submitter. Criteria: Sema4 Curation Guidelines. Collection method: curation. Allele origin: germline.
Comment: To the best of our knowledge, the RAD51D c.629C>T (p.A210V) variant has been reported in multiple patients with breast, ovarian, colorectal and pancreatic cancers (PMID: 24130102, 25452441, 26057125, 27978560, 25980754, 28726808). It has been reported in a large case-control study of breast cancer in 7/60466 cases and 3/53461 controls (PMID: 33471991). It was observed in 7/129124 chromosomes of the Non-Finnish European (NFE) subpopulation in the large and broad cohorts of the Genome Aggregation Database (PMID: 32461654). This variant has been reported in ClinVar (Variation ID 141969). Functional studies have not been performed and in silico predictions of the variant's effect on protein function are inconclusive. The evidence is insufficient to meet ACMG/AMP criteria for classifying the variant as benign or pathogenic. Thus, the clinical significance of this variant is currently uncertain.

Women's Health and Genetics/Laboratory Corporation of America, LabCorp
Classification: Uncertain significance. Last evaluated: 2020-04-13. Review status: criteria provided, single submitter. Criteria: LabCorp Variant Classification Summary - May 2015. Collection method: clinical testing. Allele origin: germline.
Comment: Variant summary: RAD51D c.629C>T (p.Ala210Val) results in a non-conservative amino acid change located in the DNA recombination and repair protein RecA-like, ATP-binding domain of the encoded protein sequence. Five of five in-silico tools predict a damaging effect of the variant on protein function. The variant allele was found at a frequency of 2.3e-05 in 257026 control chromosomes. The available data on variant occurrences in the general population are insufficient to allow any conclusion about variant significance. c.629C>T has been reported in the literature in individuals affected with Breast/Ovarian Cancer Syndrome, Lynch syndrome, or pancreatic cancer (Gutierrez-Enrquez_2014, Couch_2015, Yurgelun_2015, Janatova_2015, Song_2015, Pearlman_2016, Chaffee_2018). These reports do not provide unequivocal conclusions about association of the variant with Hereditary Breast And Ovarian Cancer Syndrome. To our knowledge, no experimental evidence demonstrating an impact on protein function has been reported. Six clinical diagnostic laboratories have submitted clinical-significance assessments for this variant to ClinVar after 2014 without evidence for independent evaluation. All laboratories classified the variant as uncertain significance. Based on the evidence outlined above, the variant was classified as uncertain significance.

Counsyl
Classification: Uncertain significance for Breast-ovarian cancer, familial, susceptibility to, 4. Last evaluated: 2016-09-13. Review status: no assertion criteria provided. Collection method: clinical testing. Allele origin: unknown. Not counted in ClinVar's aggregate classification.

Department of Pathology and Laboratory Medicine, Sinai Health System
Classification: Uncertain significance for Malignant tumor of breast. Review status: no assertion criteria provided. Collection method: clinical testing. Allele origin: unknown. Affected: yes. Study: The Canadian Open Genetics Repository (COGR). Not counted in ClinVar's aggregate classification.
Comment: The RAD51D p.Ala210Val variant was identified in 8 of 16,500 proband chromosomes (frequency: 0.0005) from individuals or families with Lynch syndrome, or pancreatic, breast or ovarian cancer and was not identified in 5538 control chromosomes from healthy individuals (Gutierrez-Enriquez 2013, Couch 2015, Yurgelun 2015, Janatova 2015, Song 2015, Pearlman 2017, Chaffee 2018). The variant was identified in dbSNP (rs376855484) as â€šÃ„Ãºwith uncertain significance alleleâ€šÃ„Ã¹ and ClinVar (classified as uncertain significance by Invitae, Color, GeneDx, Ambry Genetics and 2 other submitters). The variant was identified in control databases in 8 of 282,794 chromosomes at a frequency of 0.00003 (Genome Aggregation Database Feb 27, 2017). The variant was observed in the following populations: European in 7 of 129,124 chromosomes (freq: 0.00005) and African in 1 of 24,958 chromosomes (freq: 0.00004), while it was not observed in the Latino, Ashkenazi Jewish, East Asian, Finnish, Other or South Asian populations. The p.Ala210 residue is conserved across mammals and other organisms, and four out of five computational analyses (PolyPhen-2, SIFT, AlignGVGD, BLOSUM, MutationTaster) suggest that the variant may impact the protein; however, this information is not predictive enough to assume pathogenicity. The variant occurs outside of the splicing consensus sequence and in silico or computational prediction software programs (SpliceSiteFinder, MaxEntScan, NNSPLICE, GeneSplicer) do not predict a difference in splicing. In summary, based on the above information, the clinical significance of this variant cannot be determined with certainty at this time. This variant is classified as a variant of uncertain significance.

Literature cited by the submitters: PubMed 24130102 (cited by 8 submitters); PubMed 25452441 (cited by 6 submitters); PubMed 25980754 (cited by 7 submitters); PubMed 26057125 (cited by 7 submitters); PubMed 26261251 (cited by 6 submitters); PubMed 27978560 (cited by 5 submitters); PubMed 28726808 (cited by 6 submitters); PubMed 32756499 (cited by Quest Diagnostics Nichols Institute San Juan Capistrano and Ambry Genetics); PubMed 32885271 (cited by Quest Diagnostics Nichols Institute San Juan Capistrano and Ambry Genetics); PubMed 33471991 (cited by 4 submitters); PubMed 39541563 (cited by Quest Diagnostics Nichols Institute San Juan Capistrano); PubMed 35884425 (cited by Quest Diagnostics Nichols Institute San Juan Capistrano); PubMed 36243179 (cited by Quest Diagnostics Nichols Institute San Juan Capistrano); PubMed 25085752 (cited by Myriad Genetics, Inc.); PubMed 33577226 (cited by Mayo Clinic Laboratories, Mayo Clinic).